The following is an entry in ClinVar:

NM_022455.5(NSD1):c.3089_3090delinsCT (p.Leu1030Ser)

Gene: NSD1 (nuclear receptor binding SET domain protein 1; plus strand). Cytogenetic location: 5q35.3.
Variant type: Indel.
Coding change: c.3089_3090delinsCT on transcript NM_022455.5 (MANE Select); coding-DNA positions 3089 to 3090, TG replaced by CT.
Protein change: p.Leu1030Ser; replaces leucine 1030 with serine.
Molecular consequence: missense variant.
Genome position (GRCh38, 1-based): chr5:177,211,488-177,211,489, TG replaced by CT. VCF-style: chr5-177211488-TG-CT. GRCh37 (hg19) VCF-style: chr5-176638489-TG-CT.
Other names: c.3089_3090delinsCT (NM_022455.4); c.2216_2217delTGinsCT, p.Leu739Ser (NM_001365684.2, NM_001409306.1, NM_001409307.1 and 3 more transcripts); c.3089_3090delTGinsCT, p.Leu1030Ser (NM_001409301.1, NM_001409302.1, NM_001409303.1 and 1 more transcripts); c.2669_2670delTGinsCT, p.Leu890Ser (NM_001409304.1); c.2336_2337delTGinsCT, p.Leu779Ser (NM_001409305.1); short protein forms L779S, L739S, L1030S, L890S, L761S.
Identifiers: ClinVar variation 1727416 (VCV001727416.9), dbSNP rs2480461526, ClinGen allele CA2580074127.

ClinVar aggregate classification (germline): Conflicting classifications of pathogenicity. Review status: criteria provided, conflicting classifications (1 of 4 stars). 3 submissions from 3 submitters: Uncertain significance (1); Benign (1). 1 of the submissions does not count toward it. Last evaluated 2024-09-05.

Conditions:
Inborn genetic diseases. Identifiers: MedGen C0950123, MeSH D030342.
NSD1-related disorder. Also called: NSD1-related condition.

Submissions (3):

Labcorp Genetics (formerly Invitae), Labcorp
Classification: Uncertain significance. Last evaluated: 2024-09-05. Review status: criteria provided, single submitter. Criteria: Invitae Variant Classification Sherloc (09022015). Collection method: clinical testing. Allele origin: germline.
Comment: This sequence change replaces leucine, which is neutral and non-polar, with serine, which is neutral and polar, at codon 1030 of the NSD1 protein (p.Leu1030Ser). This variant is present in population databases (no rsID available, gnomAD 0.02%), including at least one homozygous and/or hemizygous individual. This variant has not been reported in the literature in individuals affected with NSD1-related conditions. ClinVar contains an entry for this variant (Variation ID: 1727416). An algorithm developed to predict the effect of missense changes on protein structure and function (PolyPhen-2) suggests that this variant is likely to be tolerated. In summary, the available evidence is currently insufficient to determine the role of this variant in disease. Therefore, it has been classified as a Variant of Uncertain Significance.

Ambry Genetics
Classification: Benign for Inborn genetic diseases. Last evaluated: 2019-07-30. Review status: criteria provided, single submitter. Criteria: Ambry Variant Classification Scheme 2023. Collection method: clinical testing. Allele origin: germline.

PreventionGenetics, part of Exact Sciences
Classification: Likely benign for NSD1-related condition. Last evaluated: 2021-02-04. Review status: no assertion criteria provided. Collection method: clinical testing. Allele origin: germline. Not counted in ClinVar's aggregate classification.
Comment: This variant is classified as likely benign based on ACMG/AMP sequence variant interpretation guidelines (Richards et al. 2015 PMID: 25741868, with internal and published modifications).